The following is an entry in ClinVar:

ClinVar aggregate classification (germline): Uncertain significance (1 of 4 stars; one submission).

Allele frequency attached by ClinVar (database versions not stated): gnomAD exomes 0.00001; ExAC 0.00002.
gnomAD v4.1: 7 of 1,611,068 alleles (0.00043%); highest among the groups gnomAD compares: Non-Finnish European, 0.00059%; no homozygotes.

Submission:

Labcorp Genetics (formerly Invitae), Labcorp
Classification: Uncertain significance. Last evaluated: 2021-09-01. Review status: criteria provided, single submitter. Criteria: Invitae Variant Classification Sherloc (09022015). Collection method: clinical testing. Allele origin: germline.
Comment: This sequence change replaces leucine with isoleucine at codon 429 of the PDE6C protein (p.Leu429Ile). The leucine residue is highly conserved and there is a small physicochemical difference between leucine and isoleucine. This variant is present in population databases (rs759234276, ExAC 0.003%). This variant has not been reported in the literature in individuals affected with PDE6C-related conditions. Algorithms developed to predict the effect of missense changes on protein structure and function are either unavailable or do not agree on the potential impact of this missense change (SIFT: "Deleterious"; PolyPhen-2: "Probably Damaging"; Align-GVGD: "Class C0"). In summary, the available evidence is currently insufficient to determine the role of this variant in disease. Therefore, it has been classified as a Variant of Uncertain Significance.

NM_006204.4(PDE6C):c.1285C>A (p.Leu429Ile)

Gene: PDE6C (phosphodiesterase 6C; plus strand). Cytogenetic location: 10q23.33.
Variant type: single nucleotide variant.
Coding change: c.1285C>A on transcript NM_006204.4 (MANE Select); coding-DNA position 1285, C replaced by A.
Protein change: p.Leu429Ile; replaces leucine 429 with isoleucine.
Molecular consequence: missense variant.
Genome position (GRCh38, 1-based): chr10:93,635,512, C>A. VCF-style: chr10-93635512-C-A. GRCh37 (hg19) VCF-style: chr10-95395269-C-A.
Other names: short protein forms L429I.
Identifiers: ClinVar variation 1005477 (VCV001005477.6), dbSNP rs759234276, ClinGen allele CA5610142.